The following is an entry in ClinVar:

NC_012920.1(MT-CO3):m.9612G>A

Gene: MT-CO3 (mitochondrially encoded cytochrome c oxidase III; plus strand).
Variant type: single nucleotide variant.
Genome position: chrM-9612-G-A.
Identifiers: ClinVar variation 693191 (VCV000693191.1), dbSNP rs1603222398, ClinGen allele CA414803317.

ClinVar aggregate classification (germline): Benign (1 of 4 stars; one submission).

Conditions:
Leigh syndrome (NULS). Also called: Leigh's necrotizing encephalopathy; Leigh's disease; Leigh Syndrome (mtDNA deletion); Leigh Disease; Subacute necrotizing encephalopathy; Necrotizing encephalopathy infantile subacute of Leigh. Identifiers: Orphanet 506, MedGen C2931891, MONDO:0009723, OMIM 256000.

Submission:

Wong Mito Lab, Molecular and Human Genetics, Baylor College of Medicine
Classification: Benign for Leigh syndrome. Last evaluated: 2019-10-17. Review status: criteria provided, single submitter. Criteria: Modified ACMG Guidelines (Unpublished). Collection method: clinical testing. Allele origin: germline.
Comment: The NC_012920.1:m.9612G>A (YP_003024032.1:p.Val136Met) variant in MTCO3 gene is interpretated to be a Benign variant based on the modified ACMG guidelines (unpublished). This variant meets the following evidence codes: BS1, BS2